The following is an entry in ClinVar:

NM_006947.4(SRP72):c.226G>A (p.Ala76Thr)

Gene: SRP72 (signal recognition particle 72; plus strand). Cytogenetic location: 4q12.
Variant type: single nucleotide variant.
Coding change: c.226G>A on transcript NM_006947.4 (MANE Select); coding-DNA position 226, G replaced by A.
Protein change: p.Ala76Thr; replaces alanine 76 with threonine.
Molecular consequence: missense variant. On other transcripts: non-coding transcript variant (1).
Genome position (GRCh38, 1-based): chr4:56,469,769, G>A. VCF-style: chr4-56469769-G-A. GRCh37 (hg19) VCF-style: chr4-57335935-G-A.
Other names: c.226G>A (NM_006947.3); c.226G>A, p.Ala76Thr (NM_001267722.2); short protein forms A76T.
Identifiers: ClinVar variation 2811645 (VCV002811645.4), dbSNP rs2545745129, ClinGen allele CA356995982.

ClinVar aggregate classification (germline): Uncertain significance. Review status: criteria provided, multiple submitters, no conflicts (2 of 4 stars). 2 submissions from 2 submitters: Uncertain significance (2). Last evaluated 2024-12-02.

Allele frequency attached by ClinVar (database versions not stated): gnomAD exomes below 0.00001.

Submissions (2):

Ambry Genetics
Classification: Uncertain significance. Last evaluated: 2024-12-02. Review status: criteria provided, single submitter. Criteria: Ambry Variant Classification Scheme 2023. Collection method: clinical testing. Allele origin: germline.
Comment: The p.A76T variant (also known as c.226G>A), located in coding exon 2 of the SRP72 gene, results from a G to A substitution at nucleotide position 226. The alanine at codon 76 is replaced by threonine, an amino acid with similar properties. This amino acid position is conserved. In addition, this alteration is predicted to be tolerated by in silico analysis. Based on the available evidence, the clinical significance of this variant remains unclear.

Labcorp Genetics (formerly Invitae), Labcorp
Classification: Uncertain significance. Last evaluated: 2022-11-16. Review status: criteria provided, single submitter. Criteria: Invitae Variant Classification Sherloc (09022015). Collection method: clinical testing. Allele origin: germline.
Comment: In summary, the available evidence is currently insufficient to determine the role of this variant in disease. Therefore, it has been classified as a Variant of Uncertain Significance. Algorithms developed to predict the effect of missense changes on protein structure and function output the following: SIFT: "Tolerated"; PolyPhen-2: "Benign"; Align-GVGD: "Class C0". The threonine amino acid residue is found in multiple mammalian species, which suggests that this missense change does not adversely affect protein function. This variant has not been reported in the literature in individuals affected with SRP72-related conditions. This variant is not present in population databases (gnomAD no frequency). This sequence change replaces alanine, which is neutral and non-polar, with threonine, which is neutral and polar, at codon 76 of the SRP72 protein (p.Ala76Thr).